The following is an entry in ClinVar:

ClinVar aggregate classification (germline): Uncertain significance. Review status: criteria provided, multiple submitters, no conflicts (2 of 4 stars). 4 submissions from 4 submitters: Uncertain significance (4). Last evaluated 2026-10-21.

Conditions:
MEGF8-related Carpenter syndrome. Also called: Carpenter syndrome 2. Identifiers: Orphanet 65759, MedGen C3554247, MONDO:0013998, OMIM 614976.

Allele frequency attached by ClinVar (database versions not stated): gnomAD 0.00003; gnomAD exomes 0.00004 and 0.00007; TOPMed 0.00004; ExAC 0.00006; 1000 Genomes Project 30x 0.00016; 1000 Genomes Project 0.00020.
gnomAD v4.1: 111 of 1,610,782 alleles (0.0069%); highest among the groups gnomAD compares: Non-Finnish European, 0.009%; no homozygotes.

Submissions (4):

GeneDx
Classification: Uncertain significance. Last evaluated: 2026-10-21. Review status: criteria provided, single submitter. Criteria: GeneDx Variant Classification Process June 2021. Collection method: clinical testing. Allele origin: germline.
Comment: In silico analysis supports that this missense variant has a deleterious effect on protein structure/function; Has not been previously published as pathogenic or benign to our knowledge

CeGaT Center for Human Genetics Tuebingen
Classification: Uncertain significance. Last evaluated: 2026-06-01. Review status: criteria provided, single submitter. Criteria: CeGaT Center For Human Genetics Tuebingen Variant Classification Criteria Version 2. Collection method: clinical testing. Allele origin: germline. Affected: yes. Observed: 1 variant allele.
Comment: MEGF8: PM2

Blueprint Genetics
Classification: Uncertain significance. Last evaluated: 2024-11-18. Review status: criteria provided, single submitter. Criteria: ACMG Guidelines, 2015. Collection method: clinical testing. Allele origin: germline.

Labcorp Genetics (formerly Invitae), Labcorp
Classification: Uncertain significance for MEGF8-related Carpenter syndrome. Last evaluated: 2022-03-13. Review status: criteria provided, single submitter. Criteria: Invitae Variant Classification Sherloc (09022015). Collection method: clinical testing. Allele origin: germline.
Comment: This sequence change replaces arginine, which is basic and polar, with cysteine, which is neutral and slightly polar, at codon 353 of the MEGF8 protein (p.Arg353Cys). This variant is present in population databases (rs554274233, gnomAD 0.008%). This variant has not been reported in the literature in individuals affected with MEGF8-related conditions. ClinVar contains an entry for this variant (Variation ID: 1313963). Algorithms developed to predict the effect of missense changes on protein structure and function are either unavailable or do not agree on the potential impact of this missense change (SIFT: "Tolerated"; PolyPhen-2: "Probably Damaging"; Align-GVGD: "Class C0"). In summary, the available evidence is currently insufficient to determine the role of this variant in disease. Therefore, it has been classified as a Variant of Uncertain Significance.

NM_001271938.2(MEGF8):c.1057C>T (p.Arg353Cys)

Gene: MEGF8 (multiple EGF like domains 8; plus strand). Cytogenetic location: 19q13.2.
Variant type: single nucleotide variant.
Coding change: c.1057C>T on transcript NM_001271938.2 (MANE Select); coding-DNA position 1057, C replaced by T.
Protein change: p.Arg353Cys; replaces arginine 353 with cysteine.
Molecular consequence: missense variant.
Genome position (GRCh38, 1-based): chr19:42,336,159, C>T. VCF-style: chr19-42336159-C-T. GRCh37 (hg19) VCF-style: chr19-42840311-C-T.
Other names: c.1057C>T, p.Arg353Cys (NM_001410.3); short protein forms R353C.
Identifiers: ClinVar variation 1313963 (VCV001313963.7), dbSNP rs554274233, ClinGen allele CA9474331.